The following is an entry in ClinVar:

NM_000709.4(BCKDHA):c.1119G>A (p.Trp373Ter)

Gene: BCKDHA (branched chain keto acid dehydrogenase E1 subunit alpha; plus strand). Cytogenetic location: 19q13.2.
Variant type: single nucleotide variant.
Coding change: c.1119G>A on transcript NM_000709.4 (MANE Select); coding-DNA position 1119, G replaced by A.
Protein change: p.Trp373Ter; replaces tryptophan 373 with a stop codon.
Molecular consequence: nonsense.
Genome position (GRCh38, 1-based): chr19:41,423,121, G>A. VCF-style: chr19-41423121-G-A. GRCh37 (hg19) VCF-style: chr19-41929026-G-A.
Other names: c.1116G>A, p.Trp372Ter (NM_001164783.2); short protein forms W373*, W372*.
Identifiers: ClinVar variation 557583 (VCV000557583.12), dbSNP rs765543886, ClinGen allele CA308525459.

ClinVar aggregate classification (germline): Pathogenic/Likely pathogenic. Review status: criteria provided, multiple submitters, no conflicts (2 of 4 stars). 5 submissions from 5 submitters: Pathogenic (2); Likely pathogenic (2). 1 of the submissions does not count toward it. Last evaluated 2025-01-31.

Conditions:
Maple syrup urine disease (MSUD). Identifiers: Orphanet 511, MedGen C0024776, MeSH D008375, MONDO:0009563. Disease mechanism: loss of function.
Maple syrup urine disease type 1A (MSUD1A). Also called: MSUD type 1A. Identifiers: MedGen C1855369, MONDO:0023691, OMIM 248600.

Allele frequency attached by ClinVar (database versions not stated): gnomAD exomes 0.00001.

Submissions (5):

Natera, Inc.
Classification: Likely pathogenic for Maple syrup urine disease type 1A. Last evaluated: 2025-01-31. Review status: criteria provided, single submitter. Criteria: Natera Variant Classification Schema (03/2026). Collection method: clinical testing. Allele origin: germline.
Comment: The c.1119G>A variant in BCKDHA is a nonsense variant predicted to introduce a stop codon at amino acid 373. This variant is expected to result in nonsense mediated decay, truncation, or a dysfunctional protein product. This variant is rare in the general population with a frequency below the threshold expected for the associated phenotype(s). Given the available evidence, this variant is classified as Likely Pathogenic.

Labcorp Genetics (formerly Invitae), Labcorp
Classification: Pathogenic for Maple syrup urine disease. Last evaluated: 2023-09-10. Review status: criteria provided, single submitter. Criteria: Invitae Variant Classification Sherloc (09022015). Collection method: clinical testing. Allele origin: germline.
Comment: ClinVar contains an entry for this variant (Variation ID: 557583). For these reasons, this variant has been classified as Pathogenic. This variant has not been reported in the literature in individuals affected with BCKDHA-related conditions. This variant is not present in population databases (gnomAD no frequency). This sequence change creates a premature translational stop signal (p.Trp373*) in the BCKDHA gene. It is expected to result in an absent or disrupted protein product. Loss-of-function variants in BCKDHA are known to be pathogenic (PMID: 16786533, 22593002).

Baylor Genetics
Classification: Likely pathogenic for Maple syrup urine disease type 1A. Last evaluated: 2023-08-31. Review status: criteria provided, single submitter. Criteria: ACMG Guidelines, 2015. Collection method: clinical testing. Allele origin: unknown.

Genome-Nilou Lab
Classification: Pathogenic for Maple syrup urine disease type 1A. Last evaluated: 2021-11-07. Review status: criteria provided, single submitter. Criteria: ACMG Guidelines, 2015. Collection method: clinical testing. Allele origin: germline. Affected: no.

Counsyl
Classification: Likely pathogenic for Maple syrup urine disease type 1A. Last evaluated: 2018-04-02. Review status: no assertion criteria provided. Collection method: clinical testing. Allele origin: unknown. Not counted in ClinVar's aggregate classification.

Literature cited by the submitters: PubMed 16786533 (cited by Labcorp Genetics (formerly Invitae), Labcorp); PubMed 22593002 (cited by Labcorp Genetics (formerly Invitae), Labcorp).